The following is an entry in ClinVar:

NM_031443.4(CCM2):c.350C>T (p.Ala117Val)

Gene: CCM2 (CCM2 scaffold protein; plus strand). Cytogenetic location: 7p13.
Variant type: single nucleotide variant.
Coding change: c.350C>T on transcript NM_031443.4 (MANE Select); coding-DNA position 350, C replaced by T.
Protein change: p.Ala117Val; replaces alanine 117 with valine.
Molecular consequence: missense variant. On other transcripts: non-coding transcript variant (1).
Genome position (GRCh38, 1-based): chr7:45,064,524, C>T. VCF-style: chr7-45064524-C-T. GRCh37 (hg19) VCF-style: chr7-45104123-C-T.
Other names: c.413C>T, p.Ala138Val (NM_001029835.2); c.176C>T, p.Ala59Val (NM_001167934.2, NM_001363459.2); c.350C>T, p.Ala117Val (NM_001167935.2, NM_001363458.2); short protein forms A117V, A138V, A59V.
Identifiers: ClinVar variation 424340 (VCV000424340.4), dbSNP rs368366686, ClinGen allele CA4246956.
Genomic context (GRCh38, chr7:45,064,524, plus strand): 5'-GAGCCCACCAGCTTCCGGGACACTTGACTCAGGAGCACGATGCTGTGCTCAGCCTGTCTG[C>T]GTACAACGTCAAGCTGGCCTGGAGGGACGGGGAGGATATCATCCTCAGGGTGCCCATCCA-3'
Protein context (NP_113631.1, residues 107-127): QEHDAVLSLS[Ala117Val]YNVKLAWRDG

ClinVar aggregate classification (germline): Uncertain significance (1 of 4 stars; one submission).

Allele frequency attached by ClinVar (database versions not stated): gnomAD exomes below 0.00001 and 0.00001; ExAC 0.00001; gnomAD 0.00001; TOPMed 0.00001; ESP Exome Variant Server 0.00008.
gnomAD v4.1: 3 of 1,613,766 alleles (0.00019%); highest among the groups gnomAD compares: African/African-American, 0.0027%; no homozygotes.

Submission:

GeneDx
Classification: Uncertain significance. Last evaluated: 2019-08-30. Review status: criteria provided, single submitter. Criteria: GeneDx Variant Classification Process June 2021. Collection method: clinical testing. Allele origin: germline. Affected: yes.
Comment: In silico analysis, which includes protein predictors and evolutionary conservation, supports a deleterious effect; Has not been previously published as pathogenic or benign to our knowledge